The following is an entry in ClinVar:

ClinVar aggregate classification (germline): Uncertain significance (1 of 4 stars; one submission).

gnomAD v4.1: 6 of 1,614,180 alleles (0.00037%); highest among the groups gnomAD compares: Non-Finnish European, 0.00051%; no homozygotes.

Submission:

Ambry Genetics
Classification: Uncertain significance. Last evaluated: 2026-09-06. Review status: criteria provided, single submitter. Criteria: Ambry Variant Classification Scheme 2023. Collection method: clinical testing. Allele origin: germline.
Comment: The p.Y180H variant (also known as c.538T>C), located in coding exon 5 of the SRP72 gene, results from a T to C substitution at nucleotide position 538. The tyrosine at codon 180 is replaced by histidine, an amino acid with similar properties. This amino acid position is conserved. In addition, this alteration is predicted to be deleterious by in silico analysis. Based on the available evidence, the clinical significance of this variant remains unclear.

NM_006947.4(SRP72):c.538T>C (p.Tyr180His)

Gene: SRP72 (signal recognition particle 72; plus strand). Cytogenetic location: 4q12.
Variant type: single nucleotide variant.
Coding change: c.538T>C on transcript NM_006947.4 (MANE Select); coding-DNA position 538, T replaced by C.
Protein change: p.Tyr180His; replaces tyrosine 180 with histidine.
Molecular consequence: missense variant. On other transcripts: non-coding transcript variant (1).
Genome position (GRCh38, 1-based): chr4:56,474,319, T>C. VCF-style: chr4-56474319-T-C. GRCh37 (hg19) VCF-style: chr4-57340485-T-C.
Other names: c.538T>C, p.Tyr180His (NM_001267722.2); short protein forms Y180H.
Identifiers: ClinVar variation 5030267 (VCV005030267.1).
Genomic context (GRCh38, chr4:56,474,319, plus strand): 5'-TGGTATTTTGTCCCCTGACAGGAGAACCTGGGCCTCCAAGAAGGCACACATGAGCTGTGC[T>C]ACAACACTGCATGTGCACTGATAGGCCAAGGCCAGCTGAACCAGGCCATGAAAATCCTAC-3'
Protein context (NP_008878.3, residues 170-190): GLQEGTHELC[Tyr180His]NTACALIGQG